The following is an entry in ClinVar:

ClinVar aggregate classification (germline): Uncertain significance (1 of 4 stars; one submission).

Conditions:
Intellectual developmental disorder, X-linked, syndromic, Pilorge type. Identifiers: MedGen C5676881, MONDO:0024772, OMIM 301076.

Submission:

Neuberg Centre For Genomic Medicine, NCGM
Classification: Uncertain significance for Intellectual developmental disorder, X-linked, syndromic, Pilorge type. Review status: criteria provided, single submitter. Criteria: ACMG Guidelines, 2015. Collection method: clinical testing. Allele origin: germline. Inheritance: X-linked inheritance. Affected: yes.
Comment: The observed missense variant c.1108T>C(p.Phe370Leu) in GLRA2 gene has not been reported previously as a pathogenic variant nor as a benign variant, to our knowledge. The c.1108T>C variant is absent in gnomAD Exomes.The amino acid Phenyl alanine at position 370 is changed to a Leucine changing protein sequence and it might alter its composition and physico-chemical properties. The amino acid change p.Phe370Leu in GLRA2 is predicted as conserved by GERP++ and PhyloP across 100 vertebrates. For these reasons, this variant has been classified as Uncertain Significance.

NM_002063.4(GLRA2):c.1108T>C (p.Phe370Leu)

Genes: FANCB (FA complementation group B; minus strand), GLRA2 (glycine receptor alpha 2; plus strand). Cytogenetic location: Xp22.2.
Variant type: single nucleotide variant.
Coding change: c.1108T>C on transcript NM_002063.4 (MANE Select); coding-DNA position 1108, T replaced by C.
Protein change: p.Phe370Leu; replaces phenylalanine 370 with leucine.
Molecular consequence: missense variant.
Genome position (GRCh38, 1-based): chrX:14,730,234, T>C. VCF-style: chrX-14730234-T-C. GRCh37 (hg19) VCF-style: chrX-14748356-T-C.
Other names: c.1108T>C, p.Phe370Leu (NM_001118885.2, NM_001118886.2); c.841T>C, p.Phe281Leu (NM_001171942.2); short protein forms F281L, F370L.
Identifiers: ClinVar variation 3242020 (VCV003242020.1), dbSNP rs2518814557.
Genomic context (GRCh38, chrX:14,730,234, plus strand): 5'-CAATCTGTGCTTCCTCTGTCTTTATTCCGTCAGGAAGAAGACGTTACTCGTGAAAGTCGT[T>C]TTAATTTTAGCGGTTATGGGATGGGTCACTGCCTCCAAGTGAAAGATGGAACAGCTGTCA-3'
Protein context (NP_002054.1, residues 360-380): KEEDVTRESR[Phe370Leu]NFSGYGMGHC